The following is an entry in ClinVar:

NM_138420.4(AHNAK2):c.3704A>C (p.His1235Pro)

Gene: AHNAK2 (AHNAK nucleoprotein 2; minus strand). Cytogenetic location: 14q32.33.
Variant type: single nucleotide variant.
Coding change: c.3704A>C on transcript NM_138420.4 (MANE Select); coding-DNA position 3704, A replaced by C.
Protein change: p.His1235Pro; replaces histidine 1235 with proline.
Molecular consequence: missense variant.
Genome position (GRCh38, 1-based): chr14:104,951,747, T>G on the plus strand (A>C on the coding strand, the complement: AHNAK2 is on the minus strand). VCF-style: chr14-104951747-T-G. GRCh37 (hg19) VCF-style: chr14-105418084-T-G.
Other names: c.3404A>C, p.His1135Pro (NM_001350929.2); short protein forms H1135P, H1235P.
Identifiers: ClinVar variation 2644842 (VCV002644842.24), dbSNP rs200111548, ClinGen allele CA7382830.

ClinVar aggregate classification (germline): Benign (1 of 4 stars; one submission).

Allele frequency attached by ClinVar (database versions not stated): gnomAD 0.00154; gnomAD exomes 0.00168; ExAC 0.00213; 1000 Genomes Project 30x 0.00265; 1000 Genomes Project 0.08147.
gnomAD v4.1: 2,012 of 1,229,506 alleles (0.16%); highest among the groups gnomAD compares: South Asian, 0.31%; 636 homozygotes.

Submission:

CeGaT Center for Human Genetics Tuebingen
Classification: Benign. Last evaluated: 2024-08-01. Review status: criteria provided, single submitter. Criteria: CeGaT Center For Human Genetics Tuebingen Variant Classification Criteria Version 2. Collection method: clinical testing. Allele origin: germline. Affected: yes. Observed: 4 variant alleles.
Comment: AHNAK2: BP4, BS1, BS2